The following is an entry in ClinVar:

NC_012920.1(MT-ND3):m.10335T>C

Gene: MT-ND3 (mitochondrially encoded NADH dehydrogenase 3; plus strand).
Variant type: single nucleotide variant.
Genome position: chrM-10335-T-C.
Identifiers: ClinVar variation 235460 (VCV000235460.3), dbSNP rs878853041, ClinGen allele CA10581318.

ClinVar aggregate classification (germline): Likely benign (1 of 4 stars; one submission).

Submission:

Center for Pediatric Genomic Medicine, Children's Mercy Hospital and Clinics
Classification: Likely benign. Last evaluated: 2016-03-22. Review status: criteria provided, single submitter. Criteria: ACMG Guidelines, 2015. Collection method: clinical testing. Allele origin: germline.
ClinVar note: Converted during submission from Likely Benign to Likely benign.